The following is an entry in ClinVar:

ClinVar aggregate classification (germline): Uncertain significance (1 of 4 stars; one submission).

Submission:

GeneDx
Classification: Uncertain significance. Last evaluated: 2025-04-18. Review status: criteria provided, single submitter. Criteria: GeneDx Variant Classification Process June 2021. Collection method: clinical testing. Allele origin: germline. Affected: yes.
Comment: Not observed at significant frequency in large population cohorts (gnomAD); In silico analysis supports that this missense variant has a deleterious effect on protein structure/function; Has not been previously published as pathogenic or benign to our knowledge

NM_001378328.1(CELSR1):c.7265G>C (p.Gly2422Ala)

Gene: CELSR1 (cadherin EGF LAG seven-pass G-type receptor 1; minus strand). Cytogenetic location: 22q13.31.
Variant type: single nucleotide variant.
Coding change: c.7265G>C on transcript NM_001378328.1 (MANE Select); coding-DNA position 7265, G replaced by C.
Protein change: p.Gly2422Ala; replaces glycine 2422 with alanine.
Molecular consequence: missense variant.
Genome position (GRCh38, 1-based): chr22:46,378,709, C>G on the plus strand (G>C on the coding strand, the complement: CELSR1 is on the minus strand). VCF-style: chr22-46378709-C-G. GRCh37 (hg19) VCF-style: chr22-46774606-C-G.
Other names: c.7265G>C, p.Gly2422Ala (NM_014246.4); short protein forms G2422A.
Identifiers: ClinVar variation 4282216 (VCV004282216.1).